The following is an entry in ClinVar:

NM_000138.5(FBN1):c.3524_3525del (p.Ile1175fs)

Gene: FBN1 (fibrillin 1; minus strand). Cytogenetic location: 15q21.1.
Variant type: Deletion.
Coding change: c.3524_3525del on transcript NM_000138.5 (MANE Select); coding-DNA positions 3524 to 3525, 2 bases deleted (TA; older notation c.3524_3525delTA).
Protein change: p.Ile1175fs; shifts the reading frame from isoleucine 1175.
Molecular consequence: frameshift variant.
Genome position (GRCh38, 1-based): chr15:48,487,139-48,487,140, TA deleted on the plus strand (TA on the coding strand, the reverse complement: FBN1 is on the minus strand); deleting any 2 consecutive bases within chr15:48,487,139-48,487,141 gives the same sequence; the c. name uses the placement nearest the transcript's 3' end. VCF-style (leftmost placement, unchanged base first): chr15-48487138-CTA-C. GRCh37 (hg19) VCF-style: chr15-48779335-CTA-C.
Other names: short protein forms I1175fs.
Identifiers: ClinVar variation 1182543 (VCV001182543.2), dbSNP rs2141293230, ClinGen allele CA2499222997.

ClinVar aggregate classification (germline): Pathogenic (1 of 4 stars; one submission).

Submission:

GeneDx
Classification: Pathogenic. Last evaluated: 2021-03-22. Review status: criteria provided, single submitter. Criteria: GeneDx Variant Classification Process June 2021. Collection method: clinical testing. Allele origin: germline. Affected: yes.
Comment: Has not been previously published as pathogenic or benign to our knowledge; Not observed in large population cohorts (Lek et al., 2016); Frameshift variant predicted to result in protein truncation or nonsense mediated decay in a gene for which loss-of-function is a known mechanism of disease